The following is an entry in ClinVar:

ClinVar aggregate classification (germline): Uncertain significance. Review status: criteria provided, multiple submitters, no conflicts (2 of 4 stars). 2 submissions from 2 submitters: Uncertain significance (2). Last evaluated 2025-02-03.

Conditions:
Inborn genetic diseases. Identifiers: MedGen C0950123, MeSH D030342.

Allele frequency attached by ClinVar (database versions not stated): TOPMed below 0.00001; gnomAD 0.00001.
gnomAD v4.1: 47 of 1,612,842 alleles (0.0029%); highest among the groups gnomAD compares: Non-Finnish European, 0.0036%; no homozygotes.

Submissions (2):

Labcorp Genetics (formerly Invitae), Labcorp
Classification: Uncertain significance. Last evaluated: 2025-02-03. Review status: criteria provided, single submitter. Criteria: Invitae Variant Classification Sherloc (09022015). Collection method: clinical testing. Allele origin: germline.
Comment: This sequence change replaces threonine, which is neutral and polar, with methionine, which is neutral and non-polar, at codon 3520 of the PCLO protein (p.Thr3520Met). This variant is present in population databases (no rsID available, gnomAD 0.003%). This variant has not been reported in the literature in individuals affected with PCLO-related conditions. ClinVar contains an entry for this variant (Variation ID: 1380229). Experimental studies and prediction algorithms are not available or were not evaluated, and the functional significance of this variant is currently unknown. In summary, the available evidence is currently insufficient to determine the role of this variant in disease. Therefore, it has been classified as a Variant of Uncertain Significance.

Ambry Genetics
Classification: Uncertain significance for Inborn genetic diseases. Last evaluated: 2023-11-22. Review status: criteria provided, single submitter. Criteria: Ambry Variant Classification Scheme 2023. Collection method: clinical testing. Allele origin: germline.

NM_033026.6(PCLO):c.10559C>T (p.Thr3520Met)

Gene: PCLO (piccolo presynaptic cytomatrix protein; minus strand). Cytogenetic location: 7q21.11.
Variant type: single nucleotide variant.
Coding change: c.10559C>T on transcript NM_033026.6 (MANE Select); coding-DNA position 10559, C replaced by T.
Protein change: p.Thr3520Met; replaces threonine 3520 with methionine.
Molecular consequence: missense variant.
Genome position (GRCh38, 1-based): chr7:82,950,029, G>A on the plus strand (C>T on the coding strand, the complement: PCLO is on the minus strand). VCF-style: chr7-82950029-G-A. GRCh37 (hg19) VCF-style: chr7-82579345-G-A.
Other names: c.10559C>T, p.Thr3520Met (NM_014510.3); c.10559C>T (NM_033026.5); short protein forms T3520M.
Identifiers: ClinVar variation 1380229 (VCV001380229.5), dbSNP rs966728230, ClinGen allele CA161141456.